The following is an entry in ClinVar:

ClinVar aggregate classification (germline): Uncertain significance (0 of 4 stars; one submission).

Conditions:
MADD-related disorder. Also called: MADD-Related Disorders; MADD-related condition.

Submission:

PreventionGenetics, part of Exact Sciences
Classification: Uncertain significance for MADD-related condition. Last evaluated: 2024-09-16. Review status: no assertion criteria provided. Collection method: clinical testing. Allele origin: germline.
Comment: The MADD c.4012G>A variant is predicted to result in the amino acid substitution p.Gly1338Arg. To our knowledge, this variant has not been reported in the literature. This variant is reported in 0.038% of alleles in individuals of Latino descent in gnomAD. At this time, the clinical significance of this variant is uncertain due to the absence of conclusive functional and genetic evidence.

NM_001376571.1(MADD):c.4012G>A (p.Gly1338Arg)

Gene: MADD (MAP kinase activating death domain; plus strand). Cytogenetic location: 11p11.2.
Variant type: single nucleotide variant.
Coding change: c.4012G>A on transcript NM_001376571.1 (MANE Select); coding-DNA position 4012, G replaced by A.
Protein change: p.Gly1338Arg; replaces glycine 1338 with arginine.
Molecular consequence: missense variant. On other transcripts: non-coding transcript variant (8).
Genome position (GRCh38, 1-based): chr11:47,309,361, G>A. VCF-style: chr11-47309361-G-A. GRCh37 (hg19) VCF-style: chr11-47330912-G-A.
Other names: c.3796G>A, p.Gly1266Arg (NM_001376649.1, NM_001376626.1, NM_001376648.1); c.3592G>A, p.Gly1198Arg (NM_001376650.1); c.3769G>A, p.Gly1257Arg (NM_001376651.1, NM_001376652.1, NM_001376603.1); c.3766G>A, p.Gly1256Arg (NM_001376653.1, NM_130471.3); c.3562G>A, p.Gly1188Arg (NM_001376654.1); c.3757G>A, p.Gly1253Arg (NM_001376655.1, NM_001376656.1, NM_001376604.1); c.3736G>A, p.Gly1246Arg (NM_001376657.1); c.3709G>A, p.Gly1237Arg (NM_001376658.1); and 41 more; short protein forms G1057R, G1127R, G1176R, G1188R, G1198R, G1203R, G1205R, G1206R.
Identifiers: ClinVar variation 3351075 (VCV003351075.1).